The following is an entry in ClinVar:

ClinVar aggregate classification (germline): Uncertain significance (1 of 4 stars; one submission).

Conditions:
Familial intrahepatic cholestasis. Identifiers: Orphanet 284385, MedGen CN296401, MONDO:0017290.

gnomAD v4.1: 13 of 1,614,196 alleles (0.00081%); highest among the groups gnomAD compares: Non-Finnish European, 0.001%; no homozygotes.

Submission:

Genomenon, Inc
Classification: Uncertain significance for Familial intrahepatic cholestasis. Last evaluated: 2026-04-14. Review status: criteria provided, single submitter. Criteria: Genomenon Sequence Variant Interpretation Standards - Updated. Collection method: curation. Allele origin: germline. Affected: yes.
Comment: ATP8B1 p.Ile1050Lys (c.3149T>A) is a missense variant that changes the amino acid at residue 1050 from Isoleucine to Lysine. This variant has been observed in at least one proband with features of ATP8B1-deficiency (PMID:20683201). It is absent or not present at a significant frequency in gnomAD. In silico models predict that this variant is possibly or probably damaging. In conclusion, we classify ATP8B1 p.Ile1050Lys (c.3149T>A) as a variant of uncertain significance.

Literature cited by the submitters: PubMed 20683201.

NM_001374385.1(ATP8B1):c.3149T>A (p.Ile1050Lys)

Genes: ATP8B1 (ATPase phospholipid transporting 8B1; minus strand), ATP8B1-AS1 (ATP8B1 antisense RNA 1; plus strand). Cytogenetic location: 18q21.31.
Variant type: single nucleotide variant.
Coding change: c.3149T>A on transcript NM_001374385.1 (MANE Select); coding-DNA position 3149, T replaced by A.
Protein change: p.Ile1050Lys; replaces isoleucine 1050 with lysine.
Molecular consequence: missense variant.
Genome position (GRCh38, 1-based): chr18:57,652,596, A>T on the plus strand (T>A on the coding strand, the complement: ATP8B1 is on the minus strand). VCF-style: chr18-57652596-A-T. GRCh37 (hg19) VCF-style: chr18-55319828-A-T.
Other names: c.2999T>A, p.Ile1000Lys (NM_001374386.1); c.3149T>A, p.Ile1050Lys (NM_005603.6); short protein forms I1000K, I1050K.
Identifiers: ClinVar variation 4846187 (VCV004846187.1).